The following is an entry in ClinVar:

NM_005228.5(EGFR):c.1801G>A (p.Gly601Arg)

Gene: EGFR (epidermal growth factor receptor; plus strand). Cytogenetic location: 7p11.2.
Variant type: single nucleotide variant.
Coding change: c.1801G>A on transcript NM_005228.5 (MANE Select); coding-DNA position 1801, G replaced by A.
Protein change: p.Gly601Arg; replaces glycine 601 with arginine.
Molecular consequence: missense variant.
Genome position (GRCh38, 1-based): chr7:55,165,358, G>A. VCF-style: chr7-55165358-G-A. GRCh37 (hg19) VCF-style: chr7-55233051-G-A.
Other names: c.1666G>A, p.Gly556Arg (NM_001346897.2, NM_001346899.2); c.1801G>A, p.Gly601Arg (NM_001346898.2, NM_201282.2, NM_201284.2); c.1642G>A, p.Gly548Arg (NM_001346900.2); c.1000G>A, p.Gly334Arg (NM_001346941.2); short protein forms G334R, G548R, G556R, G601R.
Identifiers: ClinVar variation 4870219 (VCV004870219.1).

ClinVar aggregate classification (germline): Uncertain significance (1 of 4 stars; one submission).

Conditions:
Hereditary cancer-predisposing syndrome. Also called: Neoplastic Syndromes, Hereditary; Tumor predisposition; Hereditary Cancer Syndrome; Hereditary neoplastic syndrome. Identifiers: Orphanet 140162, MedGen C0027672, MeSH D009386, MONDO:0015356.

Submission:

Ambry Genetics
Classification: Uncertain significance for Hereditary cancer-predisposing syndrome. Last evaluated: 2026-03-24. Review status: criteria provided, single submitter. Criteria: Ambry Variant Classification Scheme 2023. Collection method: clinical testing. Allele origin: germline.
Comment: The p.G601R variant (also known as c.1801G>A), located in coding exon 15 of the EGFR gene, results from a G to A substitution at nucleotide position 1801. The glycine at codon 601 is replaced by arginine, an amino acid with dissimilar properties. This amino acid position is highly conserved in available vertebrate species. In addition, this alteration is predicted to be deleterious by in silico analysis. Based on the available evidence, the clinical significance of this variant remains unclear.